The following is an entry in ClinVar:

NM_015335.5(MED13L):c.6293G>C (p.Gly2098Ala)

Gene: MED13L (mediator complex subunit 13L; minus strand). Cytogenetic location: 12q24.21.
Variant type: single nucleotide variant.
Coding change: c.6293G>C on transcript NM_015335.5 (MANE Select); coding-DNA position 6293, G replaced by C.
Protein change: p.Gly2098Ala; replaces glycine 2098 with alanine.
Molecular consequence: missense variant.
Genome position (GRCh38, 1-based): chr12:115,966,176, C>G on the plus strand (G>C on the coding strand, the complement: MED13L is on the minus strand). VCF-style: chr12-115966176-C-G. GRCh37 (hg19) VCF-style: chr12-116403981-C-G.
Other names: short protein forms G2098A.
Identifiers: ClinVar variation 3774026 (VCV003774026.2).

ClinVar aggregate classification (germline): Uncertain significance (1 of 4 stars; one submission).

Submission:

GeneDx
Classification: Uncertain significance. Last evaluated: 2025-07-11. Review status: criteria provided, single submitter. Criteria: GeneDx Variant Classification Process June 2021. Collection method: clinical testing. Allele origin: germline.
Comment: In silico analysis supports that this missense variant has a deleterious effect on protein structure/function; Has not been previously published as pathogenic or benign to our knowledge